The following is an entry in ClinVar:

ClinVar aggregate classification (germline): Uncertain significance (0 of 4 stars; one submission).

Conditions:
PIEZO1-related disorder. Also called: PIEZO1-related condition; PIEZO1-Related Disorders.

Allele frequency attached by ClinVar (database versions not stated): TOPMed 0.00001; gnomAD 0.00003.
gnomAD v4.1: 6 of 1,535,058 alleles (0.00039%); highest among the groups gnomAD compares: African/African-American, 0.0055%; no homozygotes.

Submission:

PreventionGenetics, part of Exact Sciences
Classification: Uncertain significance for PIEZO1-related condition. Last evaluated: 2023-11-22. Review status: no assertion criteria provided. Collection method: clinical testing. Allele origin: germline.
Comment: The PIEZO1 c.526C>G variant is predicted to result in the amino acid substitution p.Leu176Val. To our knowledge, this variant has not been reported in the literature. This variant is reported in 0.012% of alleles in individuals of African descent in gnomAD. At this time, the clinical significance of this variant is uncertain due to the absence of conclusive functional and genetic evidence.

NM_001142864.4(PIEZO1):c.526C>G (p.Leu176Val)

Genes: HSALR1 (HSP90AB1 associated lncRNA 1; plus strand), PIEZO1 (piezo type mechanosensitive ion channel component 1 (Er blood group); minus strand). Cytogenetic location: 16q24.3.
Variant type: single nucleotide variant.
Coding change: c.526C>G on transcript NM_001142864.4 (MANE Select); coding-DNA position 526, C replaced by G.
Protein change: p.Leu176Val; replaces leucine 176 with valine.
Molecular consequence: missense variant. On other transcripts: non-coding transcript variant (1).
Genome position (GRCh38, 1-based): chr16:88,738,676, G>C on the plus strand (C>G on the coding strand, the complement: PIEZO1 is on the minus strand). VCF-style: chr16-88738676-G-C. GRCh37 (hg19) VCF-style: chr16-88805084-G-C.
Other names: short protein forms L176V.
Identifiers: ClinVar variation 3029436 (VCV003029436.2), dbSNP rs901223457, ClinGen allele CA286437090.
Genomic context (GRCh38, chr16:88,738,676, plus strand): 5'-GCAGCCAGTGGGCCGTGACTCGGAAACGAGCGGCCAGCCGTGACCTCCGTGTAGGGGCCA[G>C]CGTTGCTGCTTCCTGCAGCCCTGCCGTCGGGCTGGCATCCACATCCCTCTCATCATCATC-3'
Protein context (NP_001136336.2, residues 166-186): PTAGLQEAAT[Leu176Val]APTRRSRLAA